The following is an entry in ClinVar:

ClinVar aggregate classification (germline): Uncertain significance (1 of 4 stars; one submission).

Submission:

GeneDx
Classification: Uncertain significance. Last evaluated: 2022-01-28. Review status: criteria provided, single submitter. Criteria: GeneDx Variant Classification Process June 2021. Collection method: clinical testing. Allele origin: germline. Affected: yes.
Comment: Not observed at significant frequency in large population cohorts (gnomAD); In silico analysis supports that this missense variant does not alter protein structure/function; Has not been previously published as pathogenic or benign to our knowledge

NM_014991.6(WDFY3):c.9992C>T (p.Ser3331Phe)

Gene: WDFY3 (WD repeat and FYVE domain containing 3; minus strand). Cytogenetic location: 4q21.23.
Variant type: single nucleotide variant.
Coding change: c.9992C>T on transcript NM_014991.6 (MANE Select); coding-DNA position 9992, C replaced by T.
Protein change: p.Ser3331Phe; replaces serine 3331 with phenylalanine.
Molecular consequence: missense variant.
Genome position (GRCh38, 1-based): chr4:84,679,074, G>A on the plus strand (C>T on the coding strand, the complement: WDFY3 is on the minus strand). VCF-style: chr4-84679074-G-A. GRCh37 (hg19) VCF-style: chr4-85600227-G-A.
Other names: short protein forms S3331F.
Identifiers: ClinVar variation 1699581 (VCV001699581.2), dbSNP rs1353649055, ClinGen allele CA357266507.